The following is an entry in ClinVar:

ClinVar aggregate classification (germline): Conflicting classifications of pathogenicity. Review status: criteria provided, conflicting classifications (1 of 4 stars). 3 submissions from 3 submitters: Uncertain significance (2); Likely benign (1). Last evaluated 2024-03-15.

Allele frequency attached by ClinVar (database versions not stated): gnomAD 0.00002; ExAC 0.00003; gnomAD exomes 0.00003.
gnomAD v4.1: 43 of 1,613,766 alleles (0.0027%); highest among the groups gnomAD compares: African/African-American, 0.004%; no homozygotes.

Submissions (3):

Blueprint Genetics
Classification: Likely benign. Last evaluated: 2024-03-15. Review status: criteria provided, single submitter. Criteria: ACMG Guidelines, 2015. Collection method: clinical testing. Allele origin: germline.

Labcorp Genetics (formerly Invitae), Labcorp
Classification: Uncertain significance. Last evaluated: 2023-08-17. Review status: criteria provided, single submitter. Criteria: Invitae Variant Classification Sherloc (09022015). Collection method: clinical testing. Allele origin: germline.
Comment: This sequence change replaces glutamic acid, which is acidic and polar, with lysine, which is basic and polar, at codon 690 of the ABCC6 protein (p.Glu690Lys). This variant is present in population databases (rs773604010, gnomAD 0.007%). This variant has not been reported in the literature in individuals affected with ABCC6-related conditions. ClinVar contains an entry for this variant (Variation ID: 2570933). Algorithms developed to predict the effect of missense changes on protein structure and function output the following: SIFT: "Not Available"; PolyPhen-2: "Benign"; Align-GVGD: "Not Available". The lysine amino acid residue is found in multiple mammalian species, which suggests that this missense change does not adversely affect protein function. In summary, the available evidence is currently insufficient to determine the role of this variant in disease. Therefore, it has been classified as a Variant of Uncertain Significance.

CeGaT Center for Human Genetics Tuebingen
Classification: Uncertain significance. Last evaluated: 2023-06-01. Review status: criteria provided, single submitter. Criteria: CeGaT Center For Human Genetics Tuebingen Variant Classification Criteria Version 2. Collection method: clinical testing. Allele origin: germline. Affected: yes. Observed: 1 variant allele.
Comment: ABCC6: PM2, BP4

NM_001171.6(ABCC6):c.2068G>A (p.Glu690Lys)

Gene: ABCC6 (ATP binding cassette subfamily C member 6; minus strand). Cytogenetic location: 16p13.11.
Variant type: single nucleotide variant.
Coding change: c.2068G>A on transcript NM_001171.6 (MANE Select); coding-DNA position 2068, G replaced by A.
Protein change: p.Glu690Lys; replaces glutamic acid 690 with lysine.
Molecular consequence: missense variant. On other transcripts: non-coding transcript variant (1).
Genome position (GRCh38, 1-based): chr16:16,182,806, C>T on the plus strand (G>A on the coding strand, the complement: ABCC6 is on the minus strand). VCF-style: chr16-16182806-C-T. GRCh37 (hg19) VCF-style: chr16-16276663-C-T.
Other names: c.1726G>A, p.Glu576Lys (NM_001351800.1); short protein forms E576K, E690K.
Identifiers: ClinVar variation 2570933 (VCV002570933.29), dbSNP rs773604010, ClinGen allele CA7926038.